The following is an entry in ClinVar:

ClinVar aggregate classification (germline): Uncertain significance (1 of 4 stars; one submission).

gnomAD v4.1: 19 of 1,609,754 alleles (0.0012%); highest among the groups gnomAD compares: Admixed American, 0.0067%; no homozygotes.

Submission:

Ambry Genetics
Classification: Uncertain significance. Last evaluated: 2024-12-14. Review status: criteria provided, single submitter. Criteria: Ambry Variant Classification Scheme 2023. Collection method: clinical testing. Allele origin: germline.
Comment: The p.T1245M variant (also known as c.3734C>T), located in coding exon 16 of the WNK2 gene, results from a C to T substitution at nucleotide position 3734. The threonine at codon 1245 is replaced by methionine, an amino acid with similar properties. This amino acid position is conserved. In addition, this alteration is predicted to be tolerated by in silico analysis. Based on the available evidence, the clinical significance of this variant remains unclear.

NM_006648.4(WNK2):c.3734C>T (p.Thr1245Met)

Gene: WNK2 (WNK lysine deficient protein kinase 2; plus strand). Cytogenetic location: 9q22.31.
Variant type: single nucleotide variant.
Coding change: c.3734C>T on transcript NM_006648.4 (MANE Select); coding-DNA position 3734, C replaced by T.
Protein change: p.Thr1245Met; replaces threonine 1245 with methionine.
Molecular consequence: missense variant.
Genome position (GRCh38, 1-based): chr9:93,267,783, C>T. VCF-style: chr9-93267783-C-T. GRCh37 (hg19) VCF-style: chr9-96030065-C-T.
Other names: c.3734C>T, p.Thr1245Met (NM_001282394.3); short protein forms T1245M.
Identifiers: ClinVar variation 3816467 (VCV003816467.1).